The following is an entry in ClinVar:

ClinVar aggregate classification (germline): Pathogenic/Likely pathogenic. Review status: criteria provided, multiple submitters, no conflicts (2 of 4 stars). 4 submissions from 4 submitters: Pathogenic (1); Likely pathogenic (3). Last evaluated 2025-01-15.

Conditions:
Methylmalonic aciduria due to methylmalonyl-CoA mutase deficiency (MAMM). Also called: Methylmalonic aciduria, mut type. Identifiers: Orphanet 27, MedGen C1855114, MONDO:0009612, OMIM 251000.
Methylmalonic aciduria due to complete methylmalonyl-CoA mutase deficiency.

Allele frequency attached by ClinVar (database versions not stated): gnomAD exomes below 0.00001; TOPMed 0.00001.
gnomAD v4.1: 1 of 1,613,376 alleles (0.000062%); highest among the groups gnomAD compares: African/African-American, 0.0013%; no homozygotes.

Submissions (4):

Myriad Genetics, Inc.
Classification: Likely pathogenic for Methylmalonic aciduria due to methylmalonyl-CoA mutase deficiency. Last evaluated: 2025-01-15. Review status: criteria provided, single submitter. Criteria: Myriad Autosomal Dominant, Autosomal Recessive and X-Linked Classification Criteria (2023). Collection method: clinical testing. Allele origin: unknown.
Comment: NM_000255.3(MMUT):c.976A>G(R326G) is a missense variant classified as likely pathogenic in the context of methylmalonic acidemia, MMUT-related. R326G has been observed in cases with relevant disease (PMID: 30712249, Pasha_2023_(Article), 30022420, 29158924, Barvinska_2018_(Article), Farsari_2021_(Abstract). Relevant functional assessments of this variant are not available in the literature. R326G has not been observed in referenced population frequency databases. In summary, NM_000255.3(MMUT):c.976A>G(R326G) is a missense variant that has been observed more frequently in cases with the relevant disease than in healthy populations. Please note: this variant was assessed in the context of healthy population screening.

Labcorp Genetics (formerly Invitae), Labcorp
Classification: Pathogenic. Last evaluated: 2024-12-23. Review status: criteria provided, single submitter. Criteria: Invitae Variant Classification Sherloc (09022015). Collection method: clinical testing. Allele origin: germline.
Comment: This sequence change replaces arginine, which is basic and polar, with glycine, which is neutral and non-polar, at codon 326 of the MUT protein (p.Arg326Gly). This variant is not present in population databases (gnomAD no frequency). This missense change has been observed in individual(s) with methylmalonic acidemia (PMID: 29158924, 30022420, 30712249). In at least one individual the data is consistent with being in trans (on the opposite chromosome) from a pathogenic variant. ClinVar contains an entry for this variant (Variation ID: 427176). Invitae Evidence Modeling of protein sequence and biophysical properties (such as structural, functional, and spatial information, amino acid conservation, physicochemical variation, residue mobility, and thermodynamic stability) indicates that this missense variant is expected to disrupt MUT protein function with a positive predictive value of 95%. For these reasons, this variant has been classified as Pathogenic.

Natera, Inc.
Classification: Likely pathogenic for Methylmalonic aciduria due to complete methylmalonyl-CoA mutase deficiency. Last evaluated: 2024-04-24. Review status: criteria provided, single submitter. Criteria: Natera Variant Classification Schema (03/2026). Collection method: clinical testing. Allele origin: germline.
Comment: The c.976A>G variant in MMUT is a missense variant predicted to cause substitution of arginine to glycine at amino acid 326. This variant is rare in the general population with a frequency below the threshold expected for the associated phenotype(s). This variant has been observed in one or more individuals affected with the associated recessive disease, as either homozygous or compound heterozygous with a second variant (PMID: 30712249). This variant has been identified in one or more affected individual with a phenotype highly consistent with the associated gene (PMID: 30712249). Computational prediction algorithms indicate this variant is likely to affect gene or protein function. Given the available evidence, this variant is classified as Likely Pathogenic.

GeneDx
Classification: Likely pathogenic. Last evaluated: 2015-04-29. Review status: criteria provided, single submitter. Criteria: GeneDx Variant Classification (06012015). Collection method: clinical testing. Allele origin: germline. Affected: yes.
Comment: The R326G variant has not been published as a pathogenic variants, nor has it been reported as a benign polymorphism to our knowledge. The R326G variant is a non-conservative amino acid substitution, which is likely to impact secondary protein structure as these residues differ in polarity, charge, size and/or other properties. This substitution occurs at a position that is conserved across species. In silico analysis predicts this variant is probably damaging to the protein structure/function. Missense variants in nearby residues (Y316C, A324T, L328F, L328P) have been reported in the Human Gene Mutation Database in association with methylmalonic aciduria (Stenson et al., 2014), supporting the functional importance of this region of the protein. Therefore, this variant is a strong candidate for a pathogenic variant, however the possibility that it is a benign variant cannot be excluded.

Literature cited by the submitters: PubMed 29158924 (cited by Labcorp Genetics (formerly Invitae), Labcorp); PubMed 30022420 (cited by Labcorp Genetics (formerly Invitae), Labcorp); PubMed 30712249 (cited by Labcorp Genetics (formerly Invitae), Labcorp and Natera, Inc.).

NM_000255.4(MMUT):c.976A>G (p.Arg326Gly)

Gene: MMUT (methylmalonyl-CoA mutase; minus strand). Cytogenetic location: 6p12.3.
Variant type: single nucleotide variant.
Coding change: c.976A>G on transcript NM_000255.4 (MANE Select); coding-DNA position 976, A replaced by G.
Protein change: p.Arg326Gly; replaces arginine 326 with glycine.
Molecular consequence: missense variant.
Genome position (GRCh38, 1-based): chr6:49,453,692, T>C on the plus strand (A>G on the coding strand, the complement: MMUT is on the minus strand). VCF-style: chr6-49453692-T-C. GRCh37 (hg19) VCF-style: chr6-49421405-T-C.
Other names: short protein forms R326G.
Identifiers: ClinVar variation 427176 (VCV000427176.11), dbSNP rs1085308002, ClinGen allele CA364400752.
Genomic context (GRCh38, chr6:49,453,692, plus strand): 5'-GAAGAGATTTTGAGTTTTTAGGCTGAAACATTTTCTCTATTAAGTGAGCCCAGAGTCTTC[T>C]ACCAGCTCTCATCTTTGCTATTTCCATATAGAAATTCATTCCAATTCCCCAGAAGAAAGA-3'
Protein context (NP_000246.2, residues 316-336): YMEIAKMRAG[Arg326Gly]RLWAHLIEKM